The following is an entry in ClinVar:

NM_000388.4(CASR):c.2665_2680del (p.Leu889fs)

Gene: CASR (calcium sensing receptor; plus strand). Cytogenetic location: 3q21.1.
Variant type: Deletion.
Coding change: c.2665_2680del on transcript NM_000388.4 (MANE Select); coding-DNA positions 2665 to 2680, 16 bases deleted (CTGCGCCGCAGCAACG).
Protein change: p.Leu889fs; shifts the reading frame from leucine 889.
Molecular consequence: frameshift variant.
Genome position (GRCh38, 1-based): chr3:122,284,619-122,284,634, CTGCGCCGCAGCAACG deleted; deleting any 16 consecutive bases within chr3:122,284,616-122,284,634 gives the same sequence; the c. name uses the placement nearest the transcript's 3' end. VCF-style (leftmost placement, unchanged base first): chr3-122284615-CACGCTGCGCCGCAGCA-C. GRCh37 (hg19) VCF-style: chr3-122003462-CACGCTGCGCCGCAGCA-C.
Other names: c.2695_2710del, p.Leu899fs (NM_001178065.2); short protein forms L889fs, L899fs.
Identifiers: ClinVar variation 661368 (VCV000661368.11), dbSNP rs1576878270, ClinGen allele CA915941533.

ClinVar aggregate classification (germline): Uncertain significance. Review status: criteria provided, multiple submitters, no conflicts (2 of 4 stars). 2 submissions from 2 submitters: Uncertain significance (2). Last evaluated 2023-03-13.

Conditions:
Familial hypocalciuric hypercalcemia (FHH). Also called: Familial benign hypercalcemia. Identifiers: Orphanet 405, MedGen C1809471, MONDO:0018458.
Autosomal dominant hypocalcemia 1 (HYPOC1). Also called: HYPOCALCEMIA, FAMILIAL. Identifiers: MedGen C3715128, MONDO:0011013, OMIM 601198.
Nephrolithiasis/nephrocalcinosis. Identifiers: MedGen CN580796.

Submissions (2):

Ambry Genetics
Classification: Uncertain significance for Nephrolithiasis/nephrocalcinosis. Last evaluated: 2023-03-13. Review status: criteria provided, single submitter. Criteria: Ambry Variant Classification Scheme 2023. Collection method: clinical testing. Allele origin: germline.
Comment: The c.2665_2680del16 variant, located in coding exon 6 of the CASR gene, results from a deletion of 16 nucleotides at nucleotide positions 2665 to 2680, causing a translational frameshift with a predicted alternate stop codon (p.L889Sfs*45). This alteration occurs at the 3' terminus of theCASR gene, is not expected to trigger nonsense-mediated mRNAdecay, and only impacts the last 190 amino acids of the protein. The exact functional effect of this alteration is unknown. Since supporting evidence is limited at this time, the clinical significance of this alteration remains unclear.

Labcorp Genetics (formerly Invitae), Labcorp
Classification: Uncertain significance for Familial hypocalciuric hypercalcemia; Autosomal dominant hypocalcemia 1. Last evaluated: 2022-10-19. Review status: criteria provided, single submitter. Criteria: Invitae Variant Classification Sherloc (09022015). Collection method: clinical testing. Allele origin: germline.
Comment: This sequence change creates a premature translational stop signal (p.Leu889Serfs*45) in the CASR gene. While this is not anticipated to result in nonsense mediated decay, it is expected to disrupt the last 190 amino acid(s) of the CASR protein. In summary, the available evidence is currently insufficient to determine the role of this variant in disease. Therefore, it has been classified as a Variant of Uncertain Significance. Experimental studies and prediction algorithms are not available or were not evaluated, and the functional significance of this variant is currently unknown. ClinVar contains an entry for this variant (Variation ID: 661368). This variant has not been reported in the literature in individuals affected with CASR-related conditions. This variant is not present in population databases (gnomAD no frequency).